The following is an entry in ClinVar:

NM_005751.5(AKAP9):c.10526A>G (p.Asn3509Ser)

Gene: AKAP9 (A-kinase anchoring protein 9; plus strand). Cytogenetic location: 7q21.2.
Variant type: single nucleotide variant.
Coding change: c.10526A>G on transcript NM_005751.5 (MANE Select); coding-DNA position 10526, A replaced by G.
Protein change: p.Asn3509Ser; replaces asparagine 3509 with serine.
Molecular consequence: missense variant.
Genome position (GRCh38, 1-based): chr7:92,097,713, A>G. VCF-style: chr7-92097713-A-G. GRCh37 (hg19) VCF-style: chr7-91727027-A-G.
Other names: p.N3509S:AAT>AGT; c.5171A>G, p.Asn1724Ser (NM_001379277.1); c.10502A>G, p.Asn3501Ser (NM_147185.3); short protein forms N3509S, N3501S, N1724S.
Identifiers: ClinVar variation 190496 (VCV000190496.1), dbSNP rs786205711, ClinGen allele CA300639.

ClinVar aggregate classification (germline): Likely benign (1 of 4 stars; one submission).

Submission:

GeneDx
Classification: Likely benign. Last evaluated: 2011-08-18. Review status: criteria provided, single submitter. Criteria: GeneDx Variant Classification (06012015). Collection method: clinical testing. Allele origin: germline. Affected: yes.
Comment: This variant is considered likely benign or benign based on one or more of the following criteria: it is a conservative change, it occurs at a poorly conserved position in the protein, it is predicted to be benign by multiple in silico algorithms, and/or has population frequency not consistent with disease.